The following is an entry in ClinVar:

ClinVar aggregate classification (germline): Uncertain significance (1 of 4 stars; one submission).

Conditions:
TBX4-related disorder. Also called: TBX4-related condition; TBX4-related disorders.

Submission:

PreventionGenetics, part of Exact Sciences
Classification: Uncertain significance for TBX4-related condition. Last evaluated: 2025-03-08. Review status: criteria provided, single submitter. Criteria: ACMG Guidelines, 2015. Collection method: clinical testing. Allele origin: germline.
Comment: The TBX4 c.116T>A variant is predicted to result in the amino acid substitution p.Leu39His. To our knowledge, this variant has not been reported in the literature or in a large population database (gnomAD), indicating this variant is rare. At this time, the clinical significance of this variant is uncertain due to the absence of conclusive functional and genetic evidence.

NM_001321120.2(TBX4):c.116T>A (p.Leu39His)

Gene: TBX4 (T-box transcription factor 4; plus strand). Cytogenetic location: 17q23.2.
Variant type: single nucleotide variant.
Coding change: c.116T>A on transcript NM_001321120.2 (MANE Select); coding-DNA position 116, T replaced by A.
Protein change: p.Leu39His; replaces leucine 39 with histidine.
Molecular consequence: missense variant.
Genome position (GRCh38, 1-based): chr17:61,456,606, T>A. VCF-style: chr17-61456606-T-A. GRCh37 (hg19) VCF-style: chr17-59533967-T-A.
Other names: c.116T>A, p.Leu39His (NM_018488.3); short protein forms L39H.
Identifiers: ClinVar variation 4999882 (VCV004999882.1).